The following is an entry in ClinVar:

NM_001145809.2(MYH14):c.4094G>A (p.Ser1365Asn)

Gene: MYH14 (myosin heavy chain 14; plus strand). Cytogenetic location: 19q13.33.
Variant type: single nucleotide variant.
Coding change: c.4094G>A on transcript NM_001145809.2 (MANE Select); coding-DNA position 4094, G replaced by A.
Protein change: p.Ser1365Asn; replaces serine 1365 with asparagine.
Molecular consequence: missense variant.
Genome position (GRCh38, 1-based): chr19:50,280,098, G>A. VCF-style: chr19-50280098-G-A. GRCh37 (hg19) VCF-style: chr19-50783355-G-A.
Other names: c.3995G>A, p.Ser1332Asn (NM_001077186.2); c.3971G>A, p.Ser1324Asn (NM_024729.4); short protein forms S1365N, S1324N, S1332N.
Identifiers: ClinVar variation 164188 (VCV000164188.44), dbSNP rs202225655, ClinGen allele CA176900.
Genomic context (GRCh38, chr19:50,280,098, plus strand): 5'-CTGAACTGGAGAATGTGTCTGGGGCGCTGAACGAGGCTGAGTCCAAAACCATCCGTCTTA[G>A]CAAGGAGCTGAGCAGCACAGAAGCCCAGCTGCACGATGCCCAGGTGACCCTGCCTGCCCT-3'
Protein context (NP_001139281.1, residues 1355-1375): NEAESKTIRL[Ser1365Asn]KELSSTEAQL

ClinVar aggregate classification (germline): Benign/Likely benign. Review status: criteria provided, multiple submitters, no conflicts (2 of 4 stars). 8 submissions from 8 submitters: Benign (3); Likely benign (3). 2 of the submissions do not count toward it. Last evaluated 2025-06-27.

Conditions:
Autosomal dominant nonsyndromic hearing loss 4A. Also called: Deafness, autosomal dominant 4A. Identifiers: Orphanet 90635, MedGen C1833503, MONDO:0010915, OMIM 600652.

Allele frequency attached by ClinVar (database versions not stated): ESP Exome Variant Server 0.00023; TOPMed 0.00045; 1000 Genomes Project 30x 0.00047; 1000 Genomes Project 0.00060; gnomAD 0.00134.
gnomAD v4.1: 1,666 of 1,610,186 alleles (0.1%); highest among the groups gnomAD compares: Non-Finnish European, 0.077%; 7 homozygotes.

Submissions (8):

Labcorp Genetics (formerly Invitae), Labcorp
Classification: Benign. Last evaluated: 2025-06-27. Review status: criteria provided, single submitter. Criteria: Invitae Variant Classification Sherloc (09022015). Collection method: clinical testing. Allele origin: germline.

Blueprint Genetics
Classification: Likely benign. Last evaluated: 2024-11-06. Review status: criteria provided, single submitter. Criteria: ACMG Guidelines, 2015. Collection method: clinical testing. Allele origin: germline.

CeGaT Center for Human Genetics Tuebingen
Classification: Benign. Last evaluated: 2022-06-01. Review status: criteria provided, single submitter. Criteria: CeGaT Center For Human Genetics Tuebingen Variant Classification Criteria Version 2. Collection method: clinical testing. Allele origin: germline. Affected: yes. Observed: 1 variant allele.
Comment: MYH14: BS1, BS2

Illumina Laboratory Services, Illumina
Classification: Likely benign for Autosomal dominant nonsyndromic hearing loss 4A. Last evaluated: 2018-01-12. Review status: criteria provided, single submitter. Criteria: ICSL Variant Classification Criteria 13 December 2019. Collection method: clinical testing. Allele origin: germline.
Comment: This variant was observed in the ICSL laboratory as part of a predisposition screen in an ostensibly healthy population. It had not been previously curated by ICSL or reported in the Human Gene Mutation Database (HGMD: prior to June 1st, 2018), and was therefore a candidate for classification through an automated scoring system. Utilizing variant allele frequency, disease prevalence and penetrance estimates, and inheritance mode, an automated score was calculated to assess if this variant is too frequent to cause the disease. Based on the score and internal cut-off values, a variant classified as likely benign is not then subjected to further curation. The score for this variant resulted in a classification of likely benign for this disease.

Laboratory for Molecular Medicine, Mass General Brigham Personalized Medicine
Classification: Benign. Last evaluated: 2016-10-04. Review status: criteria provided, single submitter. Criteria: LMM Criteria. Collection method: clinical testing. Allele origin: germline. Observed: 2 variant alleles.
Comment: p.Ser1365Asn in exon 31 of MYH14: This variant is not expected to have clinical significance because it has been identified in 1.9% (73/3926) of Finnish chromos omes by the Exome Aggregation Consortium (ExAC; dbSNP rs202225655).

Breakthrough Genomics
Classification: Likely benign. Review status: criteria provided, single submitter. Criteria: ACMG Guidelines, 2015. Collection method: not provided. Allele origin: germline. Inheritance: Autosomal dominant inheritance. Affected: yes.

Clinical Genetics DNA and cytogenetics Diagnostics Lab, Erasmus MC, Erasmus Medical Center
Classification: Likely benign. Review status: no assertion criteria provided. Collection method: clinical testing. Allele origin: germline. Affected: yes. Study: VKGL Data-share Consensus. Not counted in ClinVar's aggregate classification.

Clinical Genetics, Academic Medical Center
Classification: Likely benign. Review status: no assertion criteria provided. Collection method: clinical testing. Allele origin: germline. Affected: yes. Study: VKGL Data-share Consensus. Not counted in ClinVar's aggregate classification.